The following is an entry in ClinVar:

ClinVar aggregate classification (germline): Uncertain significance (1 of 4 stars; one submission).

Conditions:
Gastrointestinal stromal tumor. Also called: Gastrointestinal stroma tumor; Gastrointestinal stromal tumor, somatic. Identifiers: Orphanet 44890, MedGen C0238198, MeSH D046152, MONDO:0011719, OMIM 606764, HP:0100723.

Submission:

Labcorp Genetics (formerly Invitae), Labcorp
Classification: Uncertain significance for Gastrointestinal stromal tumor. Last evaluated: 2022-08-21. Review status: criteria provided, single submitter. Criteria: Invitae Variant Classification Sherloc (09022015). Collection method: clinical testing. Allele origin: germline.
Comment: Algorithms developed to predict the effect of missense changes on protein structure and function (SIFT, PolyPhen-2, Align-GVGD) all suggest that this variant is likely to be tolerated. In summary, the available evidence is currently insufficient to determine the role of this variant in disease. Therefore, it has been classified as a Variant of Uncertain Significance. This sequence change replaces methionine, which is neutral and non-polar, with valine, which is neutral and non-polar, at codon 535 of the KIT protein (p.Met535Val). This variant is not present in population databases (gnomAD no frequency). This variant has not been reported in the literature in individuals affected with KIT-related conditions. ClinVar contains an entry for this variant (Variation ID: 1369607).

NM_000222.3(KIT):c.1603A>G (p.Met535Val)

Gene: KIT (KIT proto-oncogene, receptor tyrosine kinase; plus strand). Cytogenetic location: 4q12.
Variant type: single nucleotide variant.
Coding change: c.1603A>G on transcript NM_000222.3 (MANE Select); coding-DNA position 1603, A replaced by G.
Protein change: p.Met535Val; replaces methionine 535 with valine.
Molecular consequence: missense variant.
Genome position (GRCh38, 1-based): chr4:54,727,280, A>G. VCF-style: chr4-54727280-A-G. GRCh37 (hg19) VCF-style: chr4-55593446-A-G.
Other names: c.1591A>G, p.Met531Val (NM_001093772.2, NM_001385286.1); c.1606A>G, p.Met536Val (NM_001385284.1, NM_001385290.1); c.1603A>G, p.Met535Val (NM_001385285.1); c.1594A>G, p.Met532Val (NM_001385288.1, NM_001385292.1); short protein forms M531V, M536V, M535V, M532V.
Identifiers: ClinVar variation 1369607 (VCV001369607.8), dbSNP rs2109774247, ClinGen allele CA356907077.